The following is an entry in ClinVar:

NM_001134407.3(GRIN2A):c.1552C>T (p.Arg518Cys)

Gene: GRIN2A (glutamate ionotropic receptor NMDA type subunit 2A; minus strand). Cytogenetic location: 16p13.2.
Variant type: single nucleotide variant.
Coding change: c.1552C>T on transcript NM_001134407.3 (MANE Select); coding-DNA position 1552, C replaced by T.
Protein change: p.Arg518Cys; replaces arginine 518 with cysteine.
Molecular consequence: missense variant.
Genome position (GRCh38, 1-based): chr16:9,840,746, G>A on the plus strand (C>T on the coding strand, the complement: GRIN2A is on the minus strand). VCF-style: chr16-9840746-G-A. GRCh37 (hg19) VCF-style: chr16-9934603-G-A.
Other names: p.R518C:CGT>TGT; c.1552C>T, p.Arg518Cys (NM_000833.5, NM_001134408.2); short protein forms R518C.
Identifiers: ClinVar variation 205687 (VCV000205687.5), dbSNP rs747838255, ClinGen allele CA315005.
Genomic context (GRCh38, chr16:9,840,746, plus strand): 5'-AAACCATGACACTGATTCCCGTTTCCACAAAGGGCACAGAGAAGTCCACCACTTCAGAAC[G>A]TTCCTCATTGATGGTGAGCGAGCCAACTGCCATGACTGCCCGTTGATAGACCACCTGGAT-3'
Protein context (NP_001127879.1, residues 508-528): AVGSLTINEE[Arg518Cys]SEVVDFSVPF

ClinVar aggregate classification (germline): Pathogenic/Likely pathogenic. Review status: criteria provided, multiple submitters, no conflicts (2 of 4 stars). 2 submissions from 2 submitters: Pathogenic (1); Likely pathogenic (1). Last evaluated 2022-04-08.

Conditions:
Landau-Kleffner syndrome (FESD). Also called: APHASIA, ACQUIRED, WITH EPILEPSY; EPILEPSY, FOCAL, WITH SPEECH DISORDER AND WITH OR WITHOUT MENTAL RETARDATION. Identifiers: Orphanet 1945, Orphanet 725, Orphanet 98818, MedGen C0282512, MONDO:0009509, OMIM 245570.

Allele frequency attached by ClinVar (database versions not stated): gnomAD exomes below 0.00001; ExAC 0.00001.

Submissions (2):

GeneDx
Classification: Pathogenic. Last evaluated: 2022-04-08. Review status: criteria provided, single submitter. Criteria: GeneDx Variant Classification Process June 2021. Collection method: clinical testing. Allele origin: germline. Affected: yes.
Comment: In silico analysis supports that this missense variant has a deleterious effect on protein structure/function; Not observed at a significant frequency in large population cohorts (gnomAD); This variant is associated with the following publications: (PMID: 29655203, 30544257, 35228668, 27839871, 34726335)

Institute of Human Genetics, University of Leipzig Medical Center
Classification: Likely pathogenic for Landau-Kleffner syndrome. Last evaluated: 2019-01-01. Review status: criteria provided, single submitter. Criteria: ACMG Guidelines, 2015. Collection method: research. Allele origin: de novo. Affected: yes.

Literature cited by the submitters: PubMed 30544257 (cited by Institute of Human Genetics, University of Leipzig Medical Center).